The following is an entry in ClinVar:

NM_022725.4(FANCF):c.614T>C (p.Ile205Thr)

Gene: FANCF (FA complementation group F; minus strand). Cytogenetic location: 11p14.3.
Variant type: single nucleotide variant.
Coding change: c.614T>C on transcript NM_022725.4 (MANE Select); coding-DNA position 614, T replaced by C.
Protein change: p.Ile205Thr; replaces isoleucine 205 with threonine.
Molecular consequence: missense variant.
Genome position (GRCh38, 1-based): chr11:22,625,197, A>G on the plus strand (T>C on the coding strand, the complement: FANCF is on the minus strand). VCF-style: chr11-22625197-A-G. GRCh37 (hg19) VCF-style: chr11-22646743-A-G.
Other names: c.614T>C (NM_022725.3); short protein forms I205T.
Identifiers: ClinVar variation 1390601 (VCV001390601.6), dbSNP rs764300983, ClinGen allele CA5924301.

ClinVar aggregate classification (germline): Uncertain significance. Review status: criteria provided, multiple submitters, no conflicts (2 of 4 stars). 2 submissions from 2 submitters: Uncertain significance (2). Last evaluated 2025-05-07.

Conditions:
Inborn genetic diseases. Identifiers: MedGen C0950123, MeSH D030342.
Fanconi anemia (FA). Also called: Fanconi's anemia. Identifiers: Orphanet 84, MedGen C0015625, MeSH D005199, MONDO:0019391.

Allele frequency attached by ClinVar (database versions not stated): gnomAD exomes below 0.00001 and 0.00001; ExAC 0.00001.

Submissions (2):

Ambry Genetics
Classification: Uncertain significance for Inborn genetic diseases. Last evaluated: 2025-05-07. Review status: criteria provided, single submitter. Criteria: Ambry Variant Classification Scheme 2023. Collection method: clinical testing. Allele origin: germline.

Labcorp Genetics (formerly Invitae), Labcorp
Classification: Uncertain significance for Fanconi anemia. Last evaluated: 2022-02-11. Review status: criteria provided, single submitter. Criteria: Invitae Variant Classification Sherloc (09022015). Collection method: clinical testing. Allele origin: germline.
Comment: This sequence change replaces isoleucine, which is neutral and non-polar, with threonine, which is neutral and polar, at codon 205 of the FANCF protein (p.Ile205Thr). This variant is present in population databases (rs764300983, gnomAD 0.0009%). This variant has not been reported in the literature in individuals affected with FANCF-related conditions. Algorithms developed to predict the effect of missense changes on protein structure and function output the following: SIFT: "Tolerated"; PolyPhen-2: "Benign"; Align-GVGD: "Class C0". The threonine amino acid residue is found in multiple mammalian species, which suggests that this missense change does not adversely affect protein function. In summary, the available evidence is currently insufficient to determine the role of this variant in disease. Therefore, it has been classified as a Variant of Uncertain Significance.